The following is an entry in ClinVar:

ClinVar aggregate classification (germline): Uncertain significance (1 of 4 stars; one submission).

Allele frequency attached by ClinVar (database versions not stated): gnomAD exomes below 0.00001.
gnomAD v4.1: 2 of 1,614,186 alleles (0.00012%); highest among the groups gnomAD compares: South Asian, 0.0011%; no homozygotes.

Submission:

Ambry Genetics
Classification: Uncertain significance. Last evaluated: 2024-01-09. Review status: criteria provided, single submitter. Criteria: Ambry Variant Classification Scheme 2023. Collection method: clinical testing. Allele origin: germline.
Comment: The p.A289T variant (also known as c.865G>A), located in coding exon 3 of the ALPK2 gene, results from a G to A substitution at nucleotide position 865. The alanine at codon 289 is replaced by threonine, an amino acid with similar properties. This amino acid position is conserved. In addition, this alteration is predicted to be tolerated by in silico analysis. Since supporting evidence is limited at this time, the clinical significance of this alteration remains unclear.

NM_052947.4(ALPK2):c.865G>A (p.Ala289Thr)

Genes: ALPK2 (alpha kinase 2; minus strand), LOC114803473 (ALPK2 eExon liver enhancer; plus strand). Cytogenetic location: 18q21.31.
Variant type: single nucleotide variant.
Coding change: c.865G>A on transcript NM_052947.4 (MANE Select); coding-DNA position 865, G replaced by A.
Protein change: p.Ala289Thr; replaces alanine 289 with threonine.
Molecular consequence: missense variant.
Genome position (GRCh38, 1-based): chr18:58,579,911, C>T on the plus strand (G>A on the coding strand, the complement: ALPK2 is on the minus strand). VCF-style: chr18-58579911-C-T. GRCh37 (hg19) VCF-style: chr18-56247143-C-T.
Other names: short protein forms A289T.
Identifiers: ClinVar variation 3228872 (VCV003228872.1), dbSNP rs927043402, ClinGen allele CA300927407.